The following is an entry in ClinVar:

NM_020297.4(ABCC9):c.4512+826C>T

Genes: KCNJ8-AS1 (KCNJ8 antisense RNA 1; plus strand), ABCC9 (ATP binding cassette subfamily C member 9; minus strand). Cytogenetic location: 12p12.1.
Variant type: single nucleotide variant.
Coding change: c.4512+826C>T on transcript NM_020297.4 (MANE Select); 826 bases into the intron after coding-DNA position 4512, C replaced by T.
Molecular consequence: intron variant. On other transcripts: 3 prime UTR variant (1).
Genome position (GRCh38, 1-based): chr12:21,805,172, G>A on the plus strand (C>T on the coding strand, the complement: ABCC9 is on the minus strand). VCF-style: chr12-21805172-G-A. GRCh37 (hg19) VCF-style: chr12-21958106-G-A.
Other names: c.*2C>T (NM_005691.4); c.3645+826C>T (NM_001377274.1); c.4512+826C>T (NM_001377273.1).
Identifiers: ClinVar variation 1217292 (VCV001217292.1), dbSNP rs2137103904, ClinGen allele CA2499221578.

ClinVar aggregate classification (germline): Uncertain significance (1 of 4 stars; one submission).

Submission:

Women's Health and Genetics/Laboratory Corporation of America, LabCorp
Classification: Uncertain significance. Last evaluated: 2021-07-14. Review status: criteria provided, single submitter. Criteria: LabCorp Variant Classification Summary - May 2015. Collection method: clinical testing. Allele origin: germline.
Comment: Variant summary: ABCC9 c.*2C>T is located in the untranslated mRNA region downstream of the termination codon. 4/4 computational tools predict no significant impact on normal splicing. However, these predictions have yet to be confirmed by functional studies. The variant was absent in 251298 control chromosomes. The available data on variant occurrences in the general population are insufficient to allow any conclusion about variant significance. To our knowledge, no occurrence of c.*2C>T in individuals affected with Dilated Cardiomyopathy and no experimental evidence demonstrating its impact on protein function have been reported. No clinical diagnostic laboratories have submitted clinical-significance assessments for this variant to ClinVar after 2014. Based on the evidence outlined above, the variant was classified as uncertain significance.